The following is an entry in ClinVar:

NM_018063.5(HELLS):c.1225A>G (p.Lys409Glu)

Gene: HELLS (helicase, lymphoid specific; plus strand). Cytogenetic location: 10q23.33.
Variant type: single nucleotide variant.
Coding change: c.1225A>G on transcript NM_018063.5 (MANE Select); coding-DNA position 1225, A replaced by G.
Protein change: p.Lys409Glu; replaces lysine 409 with glutamic acid.
Molecular consequence: missense variant. On other transcripts: intron variant (3).
Genome position (GRCh38, 1-based): chr10:94,581,518, A>G. VCF-style: chr10-94581518-A-G. GRCh37 (hg19) VCF-style: chr10-96341275-A-G.
Other names: c.1225A>G, p.Lys409Glu (NM_001289067.2); c.1177A>G, p.Lys393Glu (NM_001289068.2); c.1129A>G, p.Lys377Glu (NM_001289069.2); c.853A>G, p.Lys285Glu (NM_001289071.2); c.811A>G, p.Lys271Glu (NM_001289073.2); c.142A>G, p.Lys48Glu (NM_001289074.2); c.12-1445A>G (NM_001289075.2); c.1032+4713A>G (NM_001289070.2); and 1 more; short protein forms K271E, K48E, K285E, K393E, K377E, K409E.
Identifiers: ClinVar variation 1997554 (VCV001997554.2), dbSNP rs2493219158, ClinGen allele CA377662226.

ClinVar aggregate classification (germline): Uncertain significance (1 of 4 stars; one submission).

Allele frequency attached by ClinVar (database versions not stated): gnomAD exomes below 0.00001.

Submission:

Labcorp Genetics (formerly Invitae), Labcorp
Classification: Uncertain significance. Last evaluated: 2022-05-21. Review status: criteria provided, single submitter. Criteria: Invitae Variant Classification Sherloc (09022015). Collection method: clinical testing. Allele origin: germline.
Comment: In summary, the available evidence is currently insufficient to determine the role of this variant in disease. Therefore, it has been classified as a Variant of Uncertain Significance. Algorithms developed to predict the effect of missense changes on protein structure and function (SIFT, PolyPhen-2, Align-GVGD) all suggest that this variant is likely to be tolerated. This variant has not been reported in the literature in individuals affected with HELLS-related conditions. This variant is not present in population databases (gnomAD no frequency). This sequence change replaces lysine, which is basic and polar, with glutamic acid, which is acidic and polar, at codon 409 of the HELLS protein (p.Lys409Glu).